The following is an entry in ClinVar:

ClinVar aggregate classification (germline): Likely benign. Review status: criteria provided, multiple submitters, no conflicts (2 of 4 stars). 4 submissions from 4 submitters: Likely benign (4). Last evaluated 2025-10-02.

Conditions:
Joubert syndrome. Also called: Familial aplasia of the vermis; JOUBERT-BOLTSHAUSER SYNDROME. Identifiers: Orphanet 475, MedGen C5979921, MONDO:0018772.
Meckel-Gruber syndrome. Also called: DYSENCEPHALIA SPLANCHNOCYSTICA; GRUBER SYNDROME; Dysencephalia splachnocystica. Identifiers: Orphanet 564, MedGen C0265215, MONDO:0018921.
COACH syndrome 3. Identifiers: MedGen C5436841, MONDO:0030862, OMIM 619113.
Joubert syndrome 7 (JBTS7). Identifiers: Orphanet 220497, MedGen C1969053, MONDO:0012694, OMIM 611560.
Meckel syndrome, type 5 (MKS5). Identifiers: Orphanet 564, MedGen C1969052, MONDO:0012695, OMIM 611561.

Allele frequency attached by ClinVar (database versions not stated): TOPMed 0.00006; gnomAD 0.00099.
gnomAD v4.1: 218 of 1,548,860 alleles (0.014%); highest among the groups gnomAD compares: Non-Finnish European, 0.018%; no homozygotes.

Submissions (4):

Labcorp Genetics (formerly Invitae), Labcorp
Classification: Likely benign for Joubert syndrome; Meckel-Gruber syndrome. Last evaluated: 2025-10-02. Review status: criteria provided, single submitter. Criteria: Invitae Variant Classification Sherloc (09022015). Collection method: clinical testing. Allele origin: germline.

Blueprint Genetics
Classification: Likely benign. Last evaluated: 2024-09-05. Review status: criteria provided, single submitter. Criteria: ACMG Guidelines, 2015. Collection method: clinical testing. Allele origin: germline.

Fulgent Genetics
Classification: Likely benign for Joubert syndrome 7; Meckel syndrome, type 5; COACH syndrome 3. Last evaluated: 2021-11-16. Review status: criteria provided, single submitter. Criteria: ACMG Guidelines, 2015. Collection method: clinical testing. Allele origin: unknown.

GeneDx
Classification: Likely benign. Last evaluated: 2017-02-28. Review status: criteria provided, single submitter. Criteria: GeneDx Variant Classification (06012015). Collection method: clinical testing. Allele origin: germline. Affected: yes.
Comment: This variant is considered likely benign or benign based on one or more of the following criteria: it is a conservative change, it occurs at a poorly conserved position in the protein, it is predicted to be benign by multiple in silico algorithms, and/or has population frequency not consistent with disease.

NM_015272.5(RPGRIP1L):c.3701+19A>C

Gene: RPGRIP1L (RPGRIP1 like; minus strand). Cytogenetic location: 16q12.2.
Variant type: single nucleotide variant.
Coding change: c.3701+19A>C on transcript NM_015272.5 (MANE Select); 19 bases into the intron after coding-DNA position 3701, A replaced by C.
Molecular consequence: intron variant.
Genome position (GRCh38, 1-based): chr16:53,610,948, T>G on the plus strand (A>C on the coding strand, the complement: RPGRIP1L is on the minus strand). VCF-style: chr16-53610948-T-G. GRCh37 (hg19) VCF-style: chr16-53644860-T-G.
Other names: c.3461+19A>C (NM_001127897.4); c.3599+19A>C (NM_001330538.2); c.3563+19A>C (NM_001308334.3).
Identifiers: ClinVar variation 507671 (VCV000507671.11), dbSNP rs199926524, ClinGen allele CA8057212.
Genomic context (GRCh38, chr16:53,610,948, plus strand): 5'-GCCTTTTATTTTAACCATGTCCTGCTACAGAGATCTACTTTATGTAAACCATTAGATTAT[T>G]TGGACTGCCAAAACATACCTTCTATTAGGCATCTCTTGTTTTTGTAGTATAGCTTTTAAG-3'